The following is an entry in ClinVar:

ClinVar aggregate classification (germline): Benign/Likely benign. Review status: criteria provided, multiple submitters, no conflicts (2 of 4 stars). 10 submissions from 10 submitters: Benign (3); Likely benign (6). 1 of the submissions does not count toward it. Last evaluated 2025-12-01.

Conditions:
Congenital myasthenic syndrome (CMS). Also called: Congenital Myasthenic Syndromes. Identifiers: Orphanet 590, MedGen C0751882, MeSH D020294, MONDO:0018940.

Allele frequency attached by ClinVar (database versions not stated): 1000 Genomes Project 30x 0.00078; 1000 Genomes Project 0.00100; gnomAD exomes 0.00415; TOPMed 0.00417; gnomAD 0.00464 and 0.00487; ExAC 0.00577; ESP Exome Variant Server 0.00592.
gnomAD v4.1: 11,090 of 1,608,722 alleles (0.69%); highest among the groups gnomAD compares: Non-Finnish European, 0.86%; 50 homozygotes.

Submissions (10):

CeGaT Center for Human Genetics Tuebingen
Classification: Likely benign. Last evaluated: 2025-12-01. Review status: criteria provided, single submitter. Criteria: CeGaT Center For Human Genetics Tuebingen Variant Classification Criteria Version 2. Collection method: clinical testing. Allele origin: germline. Affected: yes. Observed: 6 variant alleles.
Comment: CHRNE: BS2

Blueprint Genetics
Classification: Likely benign. Last evaluated: 2024-11-22. Review status: criteria provided, single submitter. Criteria: ACMG Guidelines, 2015. Collection method: clinical testing. Allele origin: germline.

Mayo Clinic Laboratories, Mayo Clinic
Classification: Benign. Last evaluated: 2024-07-03. Review status: criteria provided, single submitter. Criteria: ACMG Guidelines, 2015. Collection method: clinical testing. Allele origin: germline. Observed: 9 variant alleles.
Comment: BS1, BS2

GeneDx
Classification: Likely benign. Last evaluated: 2021-01-25. Review status: criteria provided, single submitter. Criteria: GeneDx Variant Classification Process June 2021. Collection method: clinical testing. Allele origin: germline. Affected: yes.

Illumina Laboratory Services, Illumina
Classification: Likely benign for Congenital myasthenic syndrome. Last evaluated: 2018-01-12. Review status: criteria provided, single submitter. Criteria: ICSL Variant Classification Criteria 13 December 2019. Collection method: clinical testing. Allele origin: germline.
Comment: This variant was observed in the ICSL laboratory as part of a predisposition screen in an ostensibly healthy population. It had not been previously curated by ICSL or reported in the Human Gene Mutation Database (HGMD: prior to June 1st, 2018), and was therefore a candidate for classification through an automated scoring system. Utilizing variant allele frequency, disease prevalence and penetrance estimates, and inheritance mode, an automated score was calculated to assess if this variant is too frequent to cause the disease. Based on the score and internal cut-off values, a variant classified as likely benign is not then subjected to further curation. The score for this variant resulted in a classification of likely benign for this disease.

Genetic Services Laboratory, University of Chicago
Classification: Likely benign. Last evaluated: 2017-11-13. Review status: criteria provided, single submitter. Criteria: ACMG Guidelines, 2015. Collection method: clinical testing. Allele origin: germline. Affected: no.

Eurofins Ntd Llc (ga)
Classification: Benign. Last evaluated: 2015-05-15. Review status: criteria provided, single submitter. Criteria: EGL Classification Definitions 2015. Collection method: clinical testing. Allele origin: germline. Observed: 1 variant allele, 1 heterozygote.

Breakthrough Genomics
Classification: Likely benign. Review status: criteria provided, single submitter. Criteria: ACMG Guidelines, 2015. Collection method: not provided. Allele origin: germline. Inheritance: Autosomal recessive inheritance. Affected: yes.

PreventionGenetics, part of Exact Sciences
Classification: Benign. Review status: criteria provided, single submitter. Criteria: ACMG Guidelines, 2015. Collection method: clinical testing. Allele origin: germline.

Natera, Inc.
Classification: Likely benign for Congenital myasthenic syndrome. Last evaluated: 2019-10-25. Review status: no assertion criteria provided. Collection method: clinical testing. Allele origin: germline. Not counted in ClinVar's aggregate classification.

NM_000080.4(CHRNE):c.*6A>G

Gene: CHRNE (cholinergic receptor nicotinic epsilon subunit; minus strand). Cytogenetic location: 17p13.2.
Variant type: single nucleotide variant.
Coding change: c.*6A>G on transcript NM_000080.4 (MANE Select); 6 bases downstream of the stop codon, A replaced by G.
Molecular consequence: 3 prime UTR variant.
Genome position (GRCh38, 1-based): chr17:4,898,730, T>C on the plus strand (A>G on the coding strand, the complement: CHRNE is on the minus strand). VCF-style: chr17-4898730-T-C. GRCh37 (hg19) VCF-style: chr17-4802025-T-C.
Other names: c.*6A>G (LRG_1254t1).
Identifiers: ClinVar variation 193972 (VCV000193972.45), dbSNP rs55806270, ClinGen allele CA200888.
Genomic context (GRCh38, chr17:4,898,730, plus strand): 5'-CGGCAGCCTACTTTTTCAAAATCAATTTCCTACTGGAGATGGGTGGGAAATTGAAGTCGG[T>C]GCGAGCTAAGGCTGGATACACGGCGCGTAGGGGAGATCAGGCACTCGGTTGAAGTAGGCC-3'